The following is an entry in ClinVar:

NM_023110.3(FGFR1):c.805C>G (p.Leu269Val)

Gene: FGFR1 (fibroblast growth factor receptor 1; minus strand). Cytogenetic location: 8p11.23.
Variant type: single nucleotide variant.
Coding change: c.805C>G on transcript NM_023110.3 (MANE Select); coding-DNA position 805, C replaced by G.
Protein change: p.Leu269Val; replaces leucine 269 with valine.
Molecular consequence: missense variant.
Genome position (GRCh38, 1-based): chr8:38,424,640, G>C on the plus strand (C>G on the coding strand, the complement: FGFR1 is on the minus strand). VCF-style: chr8-38424640-G-C. GRCh37 (hg19) VCF-style: chr8-38282158-G-C.
Other names: c.805C>G, p.Leu269Val (NM_001174063.2); c.781C>G, p.Leu261Val (NM_001174064.2); c.799C>G, p.Leu267Val (NM_001174065.2, NM_001354367.2, NM_001354369.2 and 2 more transcripts); c.538C>G, p.Leu180Val (NM_001174066.2, NM_023105.3); c.898C>G, p.Leu300Val (NM_001174067.2); c.532C>G, p.Leu178Val (NM_001354368.2, NM_001354370.2, NM_023106.3); short protein forms L261V, L267V, L269V, L180V, L300V, L178V.
Identifiers: ClinVar variation 4993163 (VCV004993163.1).

ClinVar aggregate classification (germline): Uncertain significance (1 of 4 stars; one submission).

Conditions:
FGFR1-related disorder. Also called: FGFR1-related disorders; FGFR1-related condition. Identifiers: MedGen CN380097.

Submission:

PreventionGenetics, part of Exact Sciences
Classification: Uncertain significance for FGFR1-related condition. Last evaluated: 2026-08-13. Review status: criteria provided, single submitter. Criteria: ACMG Guidelines, 2015. Collection method: clinical testing. Allele origin: germline.
Comment: The FGFR1 c.805C>G variant is predicted to result in the amino acid substitution p.Leu269Val. To our knowledge, this variant has not been reported in the literature or in a large population database (gnomAD), indicating this variant is rare. At this time, the clinical significance of this variant is uncertain due to the absence of conclusive functional and genetic evidence.